The following is an entry in ClinVar:

NM_001458.5(FLNC):c.1372C>G (p.Pro458Ala)

Gene: FLNC (filamin C; plus strand). Cytogenetic location: 7q32.1.
Variant type: single nucleotide variant.
Coding change: c.1372C>G on transcript NM_001458.5 (MANE Select); coding-DNA position 1372, C replaced by G.
Protein change: p.Pro458Ala; replaces proline 458 with alanine.
Molecular consequence: missense variant.
Genome position (GRCh38, 1-based): chr7:128,838,764, C>G. VCF-style: chr7-128838764-C-G. GRCh37 (hg19) VCF-style: chr7-128478818-C-G.
Other names: p.Pro458Ala; c.1372C>G, p.Pro458Ala (NM_001127487.2); short protein forms P458A.
Identifiers: ClinVar variation 3063599 (VCV003063599.1), dbSNP rs369747694, ClinGen allele CA369225131.

ClinVar aggregate classification (germline): Uncertain significance (1 of 4 stars; one submission).

Conditions:
Hypertrophic cardiomyopathy 26. Also called: Cardiomyopathy, familial hypertrophic, 26. Identifiers: Orphanet 75249, MedGen C4310749, MONDO:0014883, OMIM 617047.

Submission:

Clinical Genomics Laboratory, Stanford Medicine
Classification: Uncertain significance for Hypertrophic cardiomyopathy 26. Last evaluated: 2021-05-25. Review status: criteria provided, single submitter. Criteria: ACMG Guidelines, 2015. Collection method: clinical testing. Allele origin: germline. Affected: yes. Observed: 1 heterozygote.
Comment: • The p.Pro458Ala variant in the FLNC gene has not been previously reported in association with disease. • This variant was absent from large population databases, including the Genome Aggregation Database. • The proline at position 458 is highly conserved in mammals; however, alanine is seen at this position in multiple lower vertebrate species. • Computational tools do not predict that the p.Pro458Ala variant impacts protein function; however, the accuracy of in silico algorithms is limited. • These data were assessed using the ACMG/AMP variant interpretation guidelines. In summary, the significance of the p.Pro458Ala variant is uncertain. Additional information is needed to resolve the significance of this variant. [ACMG evidence codes used: PM2]